The following is an entry in ClinVar:

ClinVar aggregate classification (germline): Uncertain significance. Review status: criteria provided, multiple submitters, no conflicts (2 of 4 stars). 2 submissions from 2 submitters: Uncertain significance (2). Last evaluated 2026-01-16.

Conditions:
Hereditary cancer-predisposing syndrome. Also called: Neoplastic Syndromes, Hereditary; Tumor predisposition; Hereditary Cancer Syndrome; Hereditary neoplastic syndrome. Identifiers: Orphanet 140162, MedGen C0027672, MeSH D009386, MONDO:0015356.
Gastrointestinal stromal tumor. Also called: Gastrointestinal stromal tumor, somatic; Gastrointestinal stroma tumor. Identifiers: Orphanet 44890, MedGen C0238198, MeSH D046152, MONDO:0011719, OMIM 606764, HP:0100723.

Allele frequency attached by ClinVar (database versions not stated): ExAC 0.00001.

Submissions (2):

Ambry Genetics
Classification: Uncertain significance for Hereditary cancer-predisposing syndrome. Last evaluated: 2026-01-16. Review status: criteria provided, single submitter. Criteria: Ambry Variant Classification Scheme 2023. Collection method: clinical testing. Allele origin: germline.
Comment: The p.T488P variant (also known as c.1462A>C), located in coding exon 9 of the KIT gene, results from an A to C substitution at nucleotide position 1462. The threonine at codon 488 is replaced by proline, an amino acid with highly similar properties. This amino acid position is conserved. In addition, the in silico prediction for this alteration is inconclusive. Based on the available evidence, the clinical significance of this variant remains unclear.

Labcorp Genetics (formerly Invitae), Labcorp
Classification: Uncertain significance for Gastrointestinal stromal tumor. Last evaluated: 2023-08-10. Review status: criteria provided, single submitter. Criteria: Invitae Variant Classification Sherloc (09022015). Collection method: clinical testing. Allele origin: germline.
Comment: An algorithm developed to predict the effect of missense changes on protein structure and function (PolyPhen-2) suggests that this variant is likely to be disruptive. In summary, the available evidence is currently insufficient to determine the role of this variant in disease. Therefore, it has been classified as a Variant of Uncertain Significance. ClinVar contains an entry for this variant (Variation ID: 647045). This variant has not been reported in the literature in individuals affected with KIT-related conditions. This variant is not present in population databases (gnomAD no frequency). This sequence change replaces threonine, which is neutral and polar, with proline, which is neutral and non-polar, at codon 488 of the KIT protein (p.Thr488Pro).

NM_000222.3(KIT):c.1462A>C (p.Thr488Pro)

Gene: KIT (KIT proto-oncogene, receptor tyrosine kinase; plus strand). Cytogenetic location: 4q12.
Variant type: single nucleotide variant.
Coding change: c.1462A>C on transcript NM_000222.3 (MANE Select); coding-DNA position 1462, A replaced by C.
Protein change: p.Thr488Pro; replaces threonine 488 with proline.
Molecular consequence: missense variant.
Genome position (GRCh38, 1-based): chr4:54,725,972, A>C. VCF-style: chr4-54725972-A-C. GRCh37 (hg19) VCF-style: chr4-55592138-A-C.
Other names: c.1462A>C, p.Thr488Pro (NM_001093772.2, NM_001385285.1, NM_001385286.1); c.1465A>C, p.Thr489Pro (NM_001385284.1, NM_001385288.1, NM_001385290.1 and 1 more transcripts); short protein forms T488P, T489P.
Identifiers: ClinVar variation 647045 (VCV000647045.9), dbSNP rs748451770, ClinGen allele CA2923491.